The following is an entry in ClinVar:

ClinVar aggregate classification (germline): Uncertain significance. Review status: criteria provided, multiple submitters, no conflicts (2 of 4 stars). 2 submissions from 2 submitters: Uncertain significance (2). Last evaluated 2024-11-07.

Conditions:
Inborn genetic diseases. Identifiers: MedGen C0950123, MeSH D030342.
Familial cold autoinflammatory syndrome 4 (FCAS4). Identifiers: Orphanet 47045, Orphanet 576349, MedGen C4015276, MONDO:0014498, OMIM 616115.
Periodic fever-infantile enterocolitis-autoinflammatory syndrome. Also called: Autoinflammation with infantile enterocolitis. Identifiers: Orphanet 436166, MedGen C4015067, MONDO:0014472, OMIM 616050.

Allele frequency attached by ClinVar (database versions not stated): gnomAD exomes 0.00001 and below 0.00001.
gnomAD v4.1: 10 of 1,614,140 alleles (0.00062%); highest among the groups gnomAD compares: Non-Finnish European, 0.00085%; no homozygotes.

Submissions (2):

Labcorp Genetics (formerly Invitae), Labcorp
Classification: Uncertain significance for Periodic fever-infantile enterocolitis-autoinflammatory syndrome; Familial cold autoinflammatory syndrome 4. Last evaluated: 2024-11-07. Review status: criteria provided, single submitter. Criteria: Invitae Variant Classification Sherloc (09022015). Collection method: clinical testing. Allele origin: germline.
Comment: This sequence change replaces leucine, which is neutral and non-polar, with isoleucine, which is neutral and non-polar, at codon 426 of the NLRC4 protein (p.Leu426Ile). This variant is not present in population databases (gnomAD no frequency). This variant has not been reported in the literature in individuals affected with NLRC4-related conditions. ClinVar contains an entry for this variant (Variation ID: 1369658). Invitae Evidence Modeling of protein sequence and biophysical properties (such as structural, functional, and spatial information, amino acid conservation, physicochemical variation, residue mobility, and thermodynamic stability) indicates that this missense variant is expected to disrupt NLRC4 protein function with a positive predictive value of 80%. In summary, the available evidence is currently insufficient to determine the role of this variant in disease. Therefore, it has been classified as a Variant of Uncertain Significance.

Ambry Genetics
Classification: Uncertain significance for Inborn genetic diseases. Last evaluated: 2024-06-18. Review status: criteria provided, single submitter. Criteria: Ambry Variant Classification Scheme 2023. Collection method: clinical testing. Allele origin: germline.

NM_001199138.2(NLRC4):c.1276C>A (p.Leu426Ile)

Gene: NLRC4 (NLR family CARD domain containing 4; minus strand). Cytogenetic location: 2p22.3.
Variant type: single nucleotide variant.
Coding change: c.1276C>A on transcript NM_001199138.2 (MANE Select); coding-DNA position 1276, C replaced by A.
Protein change: p.Leu426Ile; replaces leucine 426 with isoleucine.
Molecular consequence: missense variant. On other transcripts: intron variant (1).
Genome position (GRCh38, 1-based): chr2:32,250,588, G>T on the plus strand (C>A on the coding strand, the complement: NLRC4 is on the minus strand). VCF-style: chr2-32250588-G-T. GRCh37 (hg19) VCF-style: chr2-32475657-G-T.
Other names: c.1276C>A, p.Leu426Ile (NM_001199139.2, NM_021209.5); c.262+1831C>A (NM_001302504.1); short protein forms L426I.
Identifiers: ClinVar variation 1369658 (VCV001369658.9), dbSNP rs1558457501, ClinGen allele CA346512871.